The following is an entry in ClinVar:

ClinVar aggregate classification (germline): Benign (0 of 4 stars; one submission).

Conditions:
SPOUT1-related disorder. Also called: SPOUT1-related condition.

Allele frequency attached by ClinVar (database versions not stated): 1000 Genomes Project 30x 0.59322; 1000 Genomes Project 0.60383; ESP Exome Variant Server 0.62199; TOPMed 0.62922; gnomAD 0.64263; gnomAD exomes 0.73519; ExAC 0.74222.
gnomAD v4.1: 1,151,723 of 1,587,644 alleles (73%); highest among the groups gnomAD compares: Admixed American, 79%; 424,324 homozygotes.

Submission:

PreventionGenetics, part of Exact Sciences
Classification: Benign for SPOUT1-related condition. Last evaluated: 2019-10-16. Review status: no assertion criteria provided. Collection method: clinical testing. Allele origin: germline.
Comment: This variant is classified as benign based on ACMG/AMP sequence variant interpretation guidelines (Richards et al. 2015 PMID: 25741868, with internal and published modifications).

NM_016390.4(SPOUT1):c.1106T>C (p.Ile369Thr)

Genes: KYAT1-SPOUT1 (KYAT1-SPOUT1 readthrough; minus strand), SPOUT1 (SPOUT domain containing methyltransferase 1; minus strand). Cytogenetic location: 9q34.11.
Variant type: single nucleotide variant.
Coding change: c.1106T>C on transcript NM_016390.4 (MANE Select); coding-DNA position 1106, T replaced by C.
Protein change: p.Ile369Thr; replaces isoleucine 369 with threonine.
Molecular consequence: missense variant. On other transcripts: non-coding transcript variant (2).
Genome position (GRCh38, 1-based): chr9:128,822,790, A>G on the plus strand (T>C on the coding strand, the complement: SPOUT1 is on the minus strand). VCF-style: chr9-128822790-A-G. GRCh37 (hg19) VCF-style: chr9-131585069-A-G.
Other names: c.2453T>C, p.Ile818Thr (NM_001414398.1); short protein forms I369T, I818T.
Identifiers: ClinVar variation 3059891 (VCV003059891.2), dbSNP rs2280843, ClinGen allele CA5269630.